The following is an entry in ClinVar:

NM_000535.7(PMS2):c.1144G>A (p.Gly382Ser)

Gene: PMS2 (PMS1 homolog 2, mismatch repair system component; minus strand). Cytogenetic location: 7p22.1.
Variant type: single nucleotide variant.
Coding change: c.1144G>A on transcript NM_000535.7 (MANE Select); coding-DNA position 1144, G replaced by A.
Protein change: p.Gly382Ser; replaces glycine 382 with serine.
Molecular consequence: missense variant. On other transcripts: non-coding transcript variant (1), intron variant (2).
Genome position (GRCh38, 1-based): chr7:5,989,800, C>T on the plus strand (G>A on the coding strand, the complement: PMS2 is on the minus strand). VCF-style: chr7-5989800-C-T. GRCh37 (hg19) VCF-style: chr7-6029431-C-T.
Other names: c.739G>A, p.Gly247Ser (NM_001322003.2, NM_001322004.2, NM_001322005.2 and 1 more transcripts); c.826G>A, p.Gly276Ser (NM_001322007.2, NM_001322008.2); c.211G>A, p.Gly71Ser (NM_001322011.2, NM_001322012.2); c.571G>A, p.Gly191Ser (NM_001322013.2); c.1144G>A, p.Gly382Ser (NM_001322014.2); c.835G>A, p.Gly279Ser (NM_001322015.2); c.583+2173G>A (NM_001322010.2); c.988+2173G>A (NM_001322006.2); short protein forms G276S, G247S, G191S, G279S, G382S, G71S.
Identifiers: ClinVar variation 663106 (VCV000663106.9), dbSNP rs779512948, ClinGen allele CA366742718.

ClinVar aggregate classification (germline): Uncertain significance. Review status: criteria provided, multiple submitters, no conflicts (2 of 4 stars). 2 submissions from 2 submitters: Uncertain significance (2). Last evaluated 2025-12-26.

Conditions:
Hereditary nonpolyposis colorectal neoplasms. Identifiers: MedGen C0009405, MeSH D003123.
Hereditary cancer-predisposing syndrome. Also called: Neoplastic Syndromes, Hereditary; Hereditary neoplastic syndrome; Tumor predisposition; Hereditary Cancer Syndrome. Identifiers: Orphanet 140162, MedGen C0027672, MeSH D009386, MONDO:0015356.

Submissions (2):

Ambry Genetics
Classification: Uncertain significance for Hereditary cancer-predisposing syndrome. Last evaluated: 2025-12-26. Review status: criteria provided, single submitter. Criteria: Ambry Variant Classification Scheme 2023. Collection method: clinical testing. Allele origin: germline.
Comment: The c.1144G>A variant (also known as p.G382S), located in coding exon 10 of the PMS2 gene, results from a G to A substitution at nucleotide position 1144. The amino acid change results in glycine to serine at codon 382, an amino acid with similar properties. However, this change occurs in the last base pair of coding exon 10, which makes it likely to have some effect on normal mRNA splicing. This nucleotide position is highly conserved in available vertebrate species. This amino acid position is highly conserved in available vertebrate species. In silico splice site analysis predicts that this alteration will not have any significant effect on splicing. In addition, as a missense subsitution the prediction for this alteration is inconclusive. Based on the available evidence, the clinical significance of this variant remains unclear.

Labcorp Genetics (formerly Invitae), Labcorp
Classification: Uncertain significance for Hereditary nonpolyposis colorectal neoplasms. Last evaluated: 2018-12-19. Review status: criteria provided, single submitter. Criteria: Invitae Variant Classification Sherloc (09022015). Collection method: clinical testing. Allele origin: germline.
Comment: In summary, the available evidence is currently insufficient to determine the role of this variant in disease. Therefore, it has been classified as a Variant of Uncertain Significance. Nucleotide substitutions within the consensus splice site are a relatively common cause of aberrant splicing (PMID: 17576681, 9536098). Algorithms developed to predict the effect of sequence changes on RNA splicing suggest that this variant may disrupt the consensus splice site, but this prediction has not been confirmed by published transcriptional studies. Algorithms developed to predict the effect of missense changes on protein structure and function (SIFT, PolyPhen-2, Align-GVGD) all suggest that this variant is likely to be tolerated, but these predictions have not been confirmed by published functional studies and their clinical significance is uncertain. This variant has not been reported in the literature in individuals with PMS2-related disease. This variant is not present in population databases (ExAC no frequency). This sequence change replaces glycine with serine at codon 382 of the PMS2 protein (p.Gly382Ser). The glycine residue is weakly conserved and there is a small physicochemical difference between glycine and serine. This variant also falls at the last nucleotide of exon 10 of the PMS2 coding sequence, which is part of the consensus splice site for this exon.

Literature cited by the submitters: PubMed 17576681 (cited by Labcorp Genetics (formerly Invitae), Labcorp); PubMed 9536098 (cited by Labcorp Genetics (formerly Invitae), Labcorp).